The following is an entry in ClinVar:

NM_002114.4(HIVEP1):c.778A>C (p.Thr260Pro)

Gene: HIVEP1 (HIVEP zinc finger 1; plus strand). Cytogenetic location: 6p24.1.
Variant type: single nucleotide variant.
Coding change: c.778A>C on transcript NM_002114.4 (MANE Select); coding-DNA position 778, A replaced by C.
Protein change: p.Thr260Pro; replaces threonine 260 with proline.
Molecular consequence: missense variant.
Genome position (GRCh38, 1-based): chr6:12,120,573, A>C. VCF-style: chr6-12120573-A-C. GRCh37 (hg19) VCF-style: chr6-12120806-A-C.
Other names: short protein forms T260P.
Identifiers: ClinVar variation 2628779 (VCV002628779.1), dbSNP rs746866377, ClinGen allele CA362764936.

ClinVar aggregate classification (germline): Uncertain significance (1 of 4 stars; one submission).

Conditions:
HIVEP1-related disorder. Also called: HIVEP1-related condition.

gnomAD v4.1: 20 of 1,614,060 alleles (0.0012%); highest among the groups gnomAD compares: Non-Finnish European, 0.0016%; no homozygotes.

Submission:

PreventionGenetics, part of Exact Sciences
Classification: Uncertain significance for HIVEP1-related condition. Last evaluated: 2023-09-03. Review status: criteria provided, single submitter. Criteria: ACMG Guidelines, 2015. Collection method: clinical testing. Allele origin: germline.
Comment: The HIVEP1 c.778A>C variant is predicted to result in the amino acid substitution p.Thr260Pro. To our knowledge, this variant has not been reported in the literature or in a large population database, indicating this variant is rare. At this time, the clinical significance of this variant is uncertain due to the absence of conclusive functional and genetic evidence.